The following is an entry in ClinVar:

ClinVar aggregate classification (germline): Uncertain significance. Review status: criteria provided, multiple submitters, no conflicts (2 of 4 stars). 6 submissions from 6 submitters: Uncertain significance (6). Last evaluated 2026-01-26.

Conditions:
Brugada syndrome 8 (BRGDA8). Identifiers: Orphanet 130, MedGen C2751083, MONDO:0013148, OMIM 613123.
Sick sinus syndrome 2, autosomal dominant (SSS2). Also called: ATRIAL FIBRILLATION WITH BRADYARRHYTHMIA; SINUS BRADYCARDIA SYNDROME, FAMILIAL, AUTOSOMAL DOMINANT; SINUS NODE DISEASE, FAMILIAL, AUTOSOMAL DOMINANT; SICK SINUS SYNDROME 2; SICK SINUS SYNDROME 2 WITH OR WITHOUT CARDIAC NONCOMPACTION AND/OR ASCENDING AORTA DILATION. Identifiers: Orphanet 166282, MedGen C1834144, MONDO:0008102, OMIM 163800.
Epilepsy, idiopathic generalized, susceptibility to, 18. Identifiers: MedGen C5561983, MONDO:0030434, OMIM 619521.
Cardiovascular phenotype. Identifiers: MedGen CN230736.

Allele frequency attached by ClinVar (database versions not stated): gnomAD 0.00004 and 0.00005; 1000 Genomes Project 0.00020; TOPMed 0.00004; gnomAD exomes 0.00002; 1000 Genomes Project 30x 0.00016.
gnomAD v4.1: 101 of 1,590,086 alleles (0.0064%); highest among the groups gnomAD compares: Non-Finnish European, 0.0076%; no homozygotes.

Submissions (6):

Labcorp Genetics (formerly Invitae), Labcorp
Classification: Uncertain significance for Brugada syndrome 8. Last evaluated: 2026-01-26. Review status: criteria provided, single submitter. Criteria: Invitae Variant Classification Sherloc (09022015). Collection method: clinical testing. Allele origin: germline.
Comment: This sequence change replaces arginine, which is basic and polar, with tryptophan, which is neutral and slightly polar, at codon 999 of the HCN4 protein (p.Arg999Trp). The frequency data for this variant in the population databases is considered unreliable, as metrics indicate poor data quality at this position in the gnomAD database. This variant has not been reported in the literature in individuals affected with HCN4-related conditions. ClinVar contains an entry for this variant (Variation ID: 575202). Invitae Evidence Modeling of protein sequence and biophysical properties (such as structural, functional, and spatial information, amino acid conservation, physicochemical variation, residue mobility, and thermodynamic stability) indicates that this missense variant is not expected to disrupt HCN4 protein function with a negative predictive value of 95%. In summary, the available evidence is currently insufficient to determine the role of this variant in disease. Therefore, it has been classified as a Variant of Uncertain Significance.

Dasa
Classification: Uncertain significance for Epilepsy, idiopathic generalized, susceptibility to, 18. Last evaluated: 2025-11-27. Review status: criteria provided, single submitter. Criteria: DASA Assertion Criteria. Collection method: clinical testing. Allele origin: germline.
Comment: NM_005477.3(HCN4):c.2995C>T (p.Arg999Trp) is a missense variant that results in the substitution of arginine with tryptophan. This variant is rare in population databases. The currently available literature and clinical evidence are not sufficient to establish a definitive association between this variant and the reported condition. Therefore, this variant is classified as a variant of uncertain significance.

GeneDx
Classification: Uncertain significance. Last evaluated: 2025-10-17. Review status: criteria provided, single submitter. Criteria: GeneDx Variant Classification Process June 2021. Collection method: clinical testing. Allele origin: germline. Affected: yes.
Comment: Has not been previously published as pathogenic or benign to our knowledge; In silico analysis suggests that this missense variant does not alter protein structure/function

Ambry Genetics
Classification: Uncertain significance for Cardiovascular phenotype. Last evaluated: 2025-09-04. Review status: criteria provided, single submitter. Criteria: Ambry Variant Classification Scheme 2023. Collection method: clinical testing. Allele origin: germline.
Comment: The p.R999W variant (also known as c.2995C>T), located in coding exon 8 of the HCN4 gene, results from a C to T substitution at nucleotide position 2995. The arginine at codon 999 is replaced by tryptophan, an amino acid with dissimilar properties. This amino acid position is not well conserved in available vertebrate species. In addition, the in silico prediction for this alteration is inconclusive. Since supporting evidence is limited at this time, the clinical significance of this alteration remains unclear.

Molecular Diagnostic Laboratory for Inherited Cardiovascular Disease, Montreal Heart Institute
Classification: Uncertain significance for Cardiovascular phenotype. Last evaluated: 2025-04-09. Review status: criteria provided, single submitter. Criteria: ACMG Guidelines, 2015. Collection method: clinical testing. Allele origin: germline. Affected: yes.

Fulgent Genetics
Classification: Uncertain significance for Sick sinus syndrome 2, autosomal dominant; Brugada syndrome 8; Epilepsy, idiopathic generalized, susceptibility to, 18. Last evaluated: 2021-10-04. Review status: criteria provided, single submitter. Criteria: ACMG Guidelines, 2015. Collection method: clinical testing. Allele origin: unknown.

NM_005477.3(HCN4):c.2995C>T (p.Arg999Trp)

Gene: HCN4 (hyperpolarization activated cyclic nucleotide gated potassium channel 4; minus strand). Cytogenetic location: 15q24.1.
Variant type: single nucleotide variant.
Coding change: c.2995C>T on transcript NM_005477.3 (MANE Select); coding-DNA position 2995, C replaced by T.
Protein change: p.Arg999Trp; replaces arginine 999 with tryptophan.
Molecular consequence: missense variant.
Genome position (GRCh38, 1-based): chr15:73,323,098, G>A on the plus strand (C>T on the coding strand, the complement: HCN4 is on the minus strand). VCF-style: chr15-73323098-G-A. GRCh37 (hg19) VCF-style: chr15-73615439-G-A.
Other names: short protein forms R999W.
Identifiers: ClinVar variation 575202 (VCV000575202.22), dbSNP rs538668505, ClinGen allele CA272663979.